The following is an entry in ClinVar:

NM_020987.5(ANK3):c.7532A>G (p.Lys2511Arg)

Gene: ANK3 (ankyrin 3; minus strand). Cytogenetic location: 10q21.2.
Variant type: single nucleotide variant.
Coding change: c.7532A>G on transcript NM_020987.5 (MANE Select); coding-DNA position 7532, A replaced by G.
Protein change: p.Lys2511Arg; replaces lysine 2511 with arginine.
Molecular consequence: missense variant. On other transcripts: intron variant (4).
Genome position (GRCh38, 1-based): chr10:60,073,349, T>C on the plus strand (A>G on the coding strand, the complement: ANK3 is on the minus strand). VCF-style: chr10-60073349-T-C. GRCh37 (hg19) VCF-style: chr10-61833107-T-C.
Other names: c.4388-5340A>G (NM_001204403.2); c.4409-5340A>G (NM_001204404.2); c.4406-5340A>G (NM_001320874.2); c.1808-5340A>G (NM_001149.4); short protein forms K2511R.
Identifiers: ClinVar variation 1482268 (VCV001482268.6), dbSNP rs2083125827, ClinGen allele CA377010283.

ClinVar aggregate classification (germline): Uncertain significance (1 of 4 stars; one submission).

gnomAD v4.1: 1 of 1,613,938 alleles (0.000062%); no homozygotes.

Submission:

Labcorp Genetics (formerly Invitae), Labcorp
Classification: Uncertain significance. Last evaluated: 2022-07-11. Review status: criteria provided, single submitter. Criteria: Invitae Variant Classification Sherloc (09022015). Collection method: clinical testing. Allele origin: germline.
Comment: In summary, the available evidence is currently insufficient to determine the role of this variant in disease. Therefore, it has been classified as a Variant of Uncertain Significance. Algorithms developed to predict the effect of missense changes on protein structure and function are either unavailable or do not agree on the potential impact of this missense change (SIFT: "Not Available"; PolyPhen-2: "Benign"; Align-GVGD: "Not Available"). ClinVar contains an entry for this variant (Variation ID: 1482268). This variant has not been reported in the literature in individuals affected with ANK3-related conditions. This variant is not present in population databases (gnomAD no frequency). This sequence change replaces lysine, which is basic and polar, with arginine, which is basic and polar, at codon 2511 of the ANK3 protein (p.Lys2511Arg).